The following is an entry in ClinVar:

NM_000089.4(COL1A2):c.3773G>A (p.Arg1258His)

Gene: COL1A2 (collagen type I alpha 2 chain; plus strand). Cytogenetic location: 7q21.3.
Variant type: single nucleotide variant.
Coding change: c.3773G>A on transcript NM_000089.4 (MANE Select); coding-DNA position 3773, G replaced by A.
Protein change: p.Arg1258His; replaces arginine 1258 with histidine.
Molecular consequence: missense variant.
Genome position (GRCh38, 1-based): chr7:94,429,249, G>A. VCF-style: chr7-94429249-G-A. GRCh37 (hg19) VCF-style: chr7-94058561-G-A.
Other names: short protein forms R1258H.
Identifiers: ClinVar variation 1417546 (VCV001417546.11), dbSNP rs200663095, ClinGen allele CA4347855.

ClinVar aggregate classification (germline): Uncertain significance. Review status: criteria provided, multiple submitters, no conflicts (2 of 4 stars). 2 submissions from 2 submitters: Uncertain significance (2). Last evaluated 2025-12-24.

Conditions:
Ehlers-Danlos syndrome, classic type, 1 (EDSCL1). Also called: EHLERS-DANLOS SYNDROME, GRAVIS TYPE; EHLERS-DANLOS SYNDROME, SEVERE CLASSIC TYPE; Ehlers-Danlos syndrome, type 1; Ehlers-Danlos Syndrome, Classic Type, COL5A1-Related; EDS I. Identifiers: MedGen C0268335, MONDO:0019567, OMIM 130000.
Osteogenesis imperfecta type I (OI1). Also called: OI, TYPE I; OSTEOGENESIS IMPERFECTA TARDA; OSTEOGENESIS IMPERFECTA WITH BLUE SCLERAE; Osteogenesis imperfecta type 1; Lobstein's Disease; Lobstein disease. Identifiers: Orphanet 216796, Orphanet 666, MedGen C0023931, MONDO:0008146, OMIM 166200. Disease mechanism: loss of function.

Allele frequency attached by ClinVar (database versions not stated): gnomAD 0.00001; gnomAD exomes 0.00001; ExAC 0.00002.
gnomAD v4.1: 13 of 1,613,424 alleles (0.00081%); highest among the groups gnomAD compares: Admixed American, 0.0017%; no homozygotes.

Submissions (2):

Labcorp Genetics (formerly Invitae), Labcorp
Classification: Uncertain significance for Osteogenesis imperfecta type I; Ehlers-Danlos syndrome, classic type, 1. Last evaluated: 2025-12-24. Review status: criteria provided, single submitter. Criteria: Invitae Variant Classification Sherloc (09022015). Collection method: clinical testing. Allele origin: germline.
Comment: This sequence change replaces arginine, which is basic and polar, with histidine, which is basic and polar, at codon 1258 of the COL1A2 protein (p.Arg1258His). This variant is present in population databases (rs200663095, gnomAD 0.002%). This missense change has been observed in individual(s) with osteogenesis imperfecta (PMID: 27748872). ClinVar contains an entry for this variant (Variation ID: 1417546). Invitae Evidence Modeling of protein sequence and biophysical properties (such as structural, functional, and spatial information, amino acid conservation, physicochemical variation, residue mobility, and thermodynamic stability) indicates that this missense variant is not expected to disrupt COL1A2 protein function with a negative predictive value of 95%. In summary, the available evidence is currently insufficient to determine the role of this variant in disease. Therefore, it has been classified as a Variant of Uncertain Significance.

GeneDx
Classification: Uncertain significance. Last evaluated: 2024-03-19. Review status: criteria provided, single submitter. Criteria: GeneDx Variant Classification Process June 2021. Collection method: clinical testing. Allele origin: germline. Affected: yes.
Comment: Not observed at significant frequency in large population cohorts (gnomAD); In silico analysis supports that this missense variant has a deleterious effect on protein structure/function; Not located in the triple helical region, where the majority of pathogenic missense variants occur (HGMD); Reported in a patient with familial osteogenesis imperfecta and a patient with pulmonary arterial hypertension and ventricular septal defect (PMID: 27748872, 30029678); This variant is associated with the following publications: (PMID: 30029678, 27748872)

Literature cited by the submitters: PubMed 27748872 (cited by Labcorp Genetics (formerly Invitae), Labcorp).